The following is an entry in ClinVar:

ClinVar aggregate classification (germline): Uncertain significance (1 of 4 stars; one submission).

Conditions:
Facioscapulohumeral muscular dystrophy 2 (FSHD2). Also called: MUSCULAR DYSTROPHY, FACIOSCAPULOHUMERAL, TYPE 1B; FACIOSCAPULOHUMERAL MUSCULAR DYSTROPHY 2, DIGENIC; FSHD2, DIGENIC. Identifiers: Orphanet 269, MedGen C1834671, MONDO:0008031, OMIM 158901.

Submission:

Labcorp Genetics (formerly Invitae), Labcorp
Classification: Uncertain significance for Facioscapulohumeral muscular dystrophy 2. Last evaluated: 2024-01-17. Review status: criteria provided, single submitter. Criteria: Invitae Variant Classification Sherloc (09022015). Collection method: clinical testing. Allele origin: germline.
Comment: This sequence change replaces lysine, which is basic and polar, with serine, which is neutral and polar, at codon 879 of the SMCHD1 protein (p.Lys879Ser). Information on the frequency of this variant in the gnomAD database is not available, as this variant may be reported differently in the database. This variant has not been reported in the literature in individuals affected with SMCHD1-related conditions. An algorithm developed to predict the effect of missense changes on protein structure and function (PolyPhen-2) suggests that this variant is likely to be tolerated. In summary, the available evidence is currently insufficient to determine the role of this variant in disease. Therefore, it has been classified as a Variant of Uncertain Significance.

NM_015295.3(SMCHD1):c.2636_2637delinsGT (p.Lys879Ser)

Gene: SMCHD1 (structural maintenance of chromosomes flexible hinge domain containing 1; plus strand). Cytogenetic location: 18p11.32.
Variant type: Indel.
Coding change: c.2636_2637delinsGT on transcript NM_015295.3 (MANE Select); coding-DNA positions 2636 to 2637, AA replaced by GT.
Protein change: p.Lys879Ser; replaces lysine 879 with serine.
Molecular consequence: missense variant.
Genome position (GRCh38, 1-based): chr18:2,724,931-2,724,932, AA replaced by GT. VCF-style: chr18-2724931-AA-GT. GRCh37 (hg19) VCF-style: chr18-2724929-AA-GT.
Other names: short protein forms K879S.
Identifiers: ClinVar variation 2709723 (VCV002709723.3), dbSNP rs2510076143, ClinGen allele CA2697555272.